The following is an entry in ClinVar:

ClinVar aggregate classification (germline): Uncertain significance. Review status: criteria provided, multiple submitters, no conflicts (2 of 4 stars). 4 submissions from 4 submitters: Uncertain significance (4). Last evaluated 2022-09-18.

Allele frequency attached by ClinVar (database versions not stated): gnomAD 0.00011 and 0.00014; TOPMed 0.00016; ExAC 0.00025; ESP Exome Variant Server 0.00008; gnomAD exomes 0.00016 and 0.00019.
gnomAD v4.1: 292 of 1,614,072 alleles (0.018%); highest among the groups gnomAD compares: Middle Eastern, 0.48%; 1 homozygote.

Submissions (4):

Labcorp Genetics (formerly Invitae), Labcorp
Classification: Uncertain significance. Last evaluated: 2022-09-18. Review status: criteria provided, single submitter. Criteria: Invitae Variant Classification Sherloc (09022015). Collection method: clinical testing. Allele origin: germline.
Comment: In summary, the available evidence is currently insufficient to determine the role of this variant in disease. Therefore, it has been classified as a Variant of Uncertain Significance. Algorithms developed to predict the effect of missense changes on protein structure and function are either unavailable or do not agree on the potential impact of this missense change (SIFT: "Deleterious"; PolyPhen-2: "Probably Damaging"; Align-GVGD: "Class C0"). ClinVar contains an entry for this variant (Variation ID: 212664). This variant has not been reported in the literature in individuals affected with ZNF407-related conditions. This variant is present in population databases (rs199675086, gnomAD 0.02%). This sequence change replaces phenylalanine, which is neutral and non-polar, with leucine, which is neutral and non-polar, at codon 1024 of the ZNF407 protein (p.Phe1024Leu).

Ambry Genetics
Classification: Uncertain significance. Last evaluated: 2021-07-27. Review status: criteria provided, single submitter. Criteria: Ambry Variant Classification Scheme 2023. Collection method: clinical testing. Allele origin: germline.

GeneDx
Classification: Uncertain significance. Last evaluated: 2021-02-18. Review status: criteria provided, single submitter. Criteria: GeneDx Variant Classification Process June 2021. Collection method: clinical testing. Allele origin: germline. Affected: yes.
Comment: Has not been previously published as pathogenic or benign to our knowledge; In silico analysis, which includes protein predictors and evolutionary conservation, supports that this variant does not alter protein structure/function

Genetic Services Laboratory, University of Chicago
Classification: Uncertain significance. Last evaluated: 2015-05-29. Review status: criteria provided, single submitter. Criteria: ACMG Guidelines, 2015. Collection method: clinical testing. Allele origin: germline.

NM_017757.3(ZNF407):c.3072T>G (p.Phe1024Leu)

Genes: ZNF407 (zinc finger protein 407; plus strand), LOC126862798 (MED14-independent group 3 enhancer GRCh37_chr18:72345358-72346557; plus strand). Cytogenetic location: 18q22.3.
Variant type: single nucleotide variant.
Coding change: c.3072T>G on transcript NM_017757.3 (MANE Select); coding-DNA position 3072, T replaced by G.
Protein change: p.Phe1024Leu; replaces phenylalanine 1024 with leucine.
Molecular consequence: missense variant.
Genome position (GRCh38, 1-based): chr18:74,634,091, T>G. VCF-style: chr18-74634091-T-G. GRCh37 (hg19) VCF-style: chr18-72346047-T-G.
Other names: c.3072T>G, p.Phe1024Leu (NM_001146189.1, NM_001146190.1, NM_001384475.1); short protein forms F1024L.
Identifiers: ClinVar variation 212664 (VCV000212664.14), dbSNP rs199675086, ClinGen allele CA207739.